The following is an entry in ClinVar:

ClinVar aggregate classification (germline): Uncertain significance (0 of 4 stars; one submission).

Conditions:
ALMS1-related disorder. Also called: ALMS1-related condition.

Submission:

PreventionGenetics, part of Exact Sciences
Classification: Uncertain significance for ALMS1-related condition. Last evaluated: 2023-11-03. Review status: no assertion criteria provided. Collection method: clinical testing. Allele origin: germline.
Comment: The ALMS1 c.10925C>G variant is predicted to result in the amino acid substitution p.Ser3642Cys. To our knowledge, this variant has not been reported in the literature or in a large population database, indicating this variant is rare. At this time, the clinical significance of this variant is uncertain due to the absence of conclusive functional and genetic evidence.

NM_001378454.1(ALMS1):c.10922C>G (p.Thr3641Arg)

Gene: ALMS1 (ALMS1 centrosome and basal body associated protein; plus strand). Cytogenetic location: 2p13.1.
Variant type: single nucleotide variant.
Coding change: c.10922C>G on transcript NM_001378454.1 (MANE Select); coding-DNA position 10922, C replaced by G.
Protein change: p.Thr3641Arg; replaces threonine 3641 with arginine.
Molecular consequence: missense variant.
Genome position (GRCh38, 1-based): chr2:73,572,799, C>G. VCF-style: chr2-73572799-C-G. GRCh37 (hg19) VCF-style: chr2-73799926-C-G.
Other names: c.10925C>G, p.Thr3642Arg (NM_015120.4); short protein forms T3641R, T3642R.
Identifiers: ClinVar variation 3356544 (VCV003356544.1).